The following is an entry in ClinVar:

NM_001378328.1(CELSR1):c.8753G>A (p.Ser2918Asn)

Gene: CELSR1 (cadherin EGF LAG seven-pass G-type receptor 1; minus strand). Cytogenetic location: 22q13.31.
Variant type: single nucleotide variant.
Coding change: c.8753G>A on transcript NM_001378328.1 (MANE Select); coding-DNA position 8753, G replaced by A.
Protein change: p.Ser2918Asn; replaces serine 2918 with asparagine.
Molecular consequence: missense variant.
Genome position (GRCh38, 1-based): chr22:46,364,538, C>T on the plus strand (G>A on the coding strand, the complement: CELSR1 is on the minus strand). VCF-style: chr22-46364538-C-T. GRCh37 (hg19) VCF-style: chr22-46760435-C-T.
Other names: c.8753G>A, p.Ser2918Asn (NM_014246.4); short protein forms S2918N.
Identifiers: ClinVar variation 3384546 (VCV003384546.1).

ClinVar aggregate classification (germline): Uncertain significance (1 of 4 stars; one submission).

Submission:

GeneDx
Classification: Uncertain significance. Last evaluated: 2024-06-02. Review status: criteria provided, single submitter. Criteria: GeneDx Variant Classification Process June 2021. Collection method: clinical testing. Allele origin: germline. Affected: yes.
Comment: Not observed at significant frequency in large population cohorts (gnomAD); In silico analysis indicates that this missense variant does not alter protein structure/function; Has not been previously published as pathogenic or benign to our knowledge